The following is an entry in ClinVar:

NM_001384125.1(BLTP1):c.1421C>T (p.Pro474Leu)

Gene: BLTP1 (bridge-like lipid transfer protein family member 1; plus strand). Cytogenetic location: 4q27.
Variant type: single nucleotide variant.
Coding change: c.1421C>T on transcript NM_001384125.1 (MANE Select); coding-DNA position 1421, C replaced by T.
Protein change: p.Pro474Leu; replaces proline 474 with leucine.
Molecular consequence: missense variant.
Genome position (GRCh38, 1-based): chr4:122,201,049, C>T. VCF-style: chr4-122201049-C-T. GRCh37 (hg19) VCF-style: chr4-123122204-C-T.
Other names: c.1421C>T, p.Pro474Leu (NM_015312.4); short protein forms P474L.
Identifiers: ClinVar variation 3134169 (VCV003134169.1), dbSNP rs373834135, ClinGen allele CA104775893.

ClinVar aggregate classification (germline): Uncertain significance (1 of 4 stars; one submission).

Allele frequency attached by ClinVar (database versions not stated): gnomAD 0.00002; TOPMed 0.00004; ESP Exome Variant Server 0.00008.
gnomAD v4.1: 22 of 1,613,308 alleles (0.0014%); highest among the groups gnomAD compares: African/African-American, 0.0053%; no homozygotes.

Submission:

Ambry Genetics
Classification: Uncertain significance. Last evaluated: 2021-02-19. Review status: criteria provided, single submitter. Criteria: Ambry Variant Classification Scheme 2023. Collection method: clinical testing. Allele origin: germline.
Comment: The c.1421C>T (p.P474L) alteration is located in exon 13 (coding exon 13) of the KIAA1109 gene. This alteration results from a C to T substitution at nucleotide position 1421, causing the proline (P) at amino acid position 474 to be replaced by a leucine (L). The in silico prediction for the p.P474L alteration is inconclusive. Based on insufficient or conflicting evidence, the clinical significance of this alteration remains unclear.